The following is an entry in ClinVar:

NM_004082.5(DCTN1):c.416C>T (p.Ala139Val)

Gene: DCTN1 (dynactin subunit 1; minus strand). Cytogenetic location: 2p13.1.
Variant type: single nucleotide variant.
Coding change: c.416C>T on transcript NM_004082.5 (MANE Select); coding-DNA position 416, C replaced by T.
Protein change: p.Ala139Val; replaces alanine 139 with valine.
Molecular consequence: missense variant. On other transcripts: intron variant (3).
Genome position (GRCh38, 1-based): chr2:74,374,339, G>A on the plus strand (C>T on the coding strand, the complement: DCTN1 is on the minus strand). VCF-style: chr2-74374339-G-A. GRCh37 (hg19) VCF-style: chr2-74601466-G-A.
Other names: c.365C>T, p.Ala122Val (NM_001378991.1); c.14C>T, p.Ala5Val (NM_023019.4, NM_001135041.3); c.343-2611C>T (NM_001190836.2); c.364-1391C>T (NM_001378992.1); c.394-2611C>T (NM_001135040.3); c.395C>T, p.Ala132Val (NM_001190837.2); short protein forms A132V, A122V, A5V, A139V.
Identifiers: ClinVar variation 4794441 (VCV004794441.1).

ClinVar aggregate classification (germline): Uncertain significance (1 of 4 stars; one submission).

Conditions:
Amyotrophic lateral sclerosis type 1 (ALS1). Also called: AMYOTROPHIC LATERAL SCLEROSIS 1, FAMILIAL. Identifiers: Orphanet 803, MedGen C1862939, MONDO:0007103, OMIM 105400.
Neuronopathy, distal hereditary motor, type 7B. Also called: NEURONOPATHY, DISTAL HEREDITARY MOTOR, AUTOSOMAL DOMINANT 14; NEURONOPATHY, DISTAL HEREDITARY MOTOR, HARDING TYPE VIIB; NEUROPATHY, DISTAL HEREDITARY MOTOR, HARDING TYPE VIIB; NEUROPATHY, DISTAL HEREDITARY MOTOR, WITH VOCAL CORD PARALYSIS, HARDING TYPE VIIB; HMN VIIB; LOWER MOTOR NEURON DISEASE, DYNACTIN TYPE. Identifiers: Orphanet 139589, MedGen C1843315, MONDO:0011879, OMIM 607641.
Perry syndrome. Also called: PARKINSONISM WITH ALVEOLAR HYPOVENTILATION AND MENTAL DEPRESSION. Identifiers: Orphanet 178509, MedGen C1868594, MONDO:0008201, OMIM 168605.

gnomAD v4.1: 1 of 1,613,604 alleles (0.000062%); highest among the groups gnomAD compares: African/African-American, 0.0013%; no homozygotes.

Submission:

Labcorp Genetics (formerly Invitae), Labcorp
Classification: Uncertain significance for Amyotrophic lateral sclerosis type 1; Neuronopathy, distal hereditary motor, type 7B; Perry syndrome. Last evaluated: 2025-12-16. Review status: criteria provided, single submitter. Criteria: Invitae Variant Classification Sherloc (09022015). Collection method: clinical testing. Allele origin: germline.
Comment: This sequence change replaces alanine, which is neutral and non-polar, with valine, which is neutral and non-polar, at codon 139 of the DCTN1 protein (p.Ala139Val). This variant is not present in population databases (gnomAD no frequency). This variant has not been reported in the literature in individuals affected with DCTN1-related conditions. Invitae Evidence Modeling of protein sequence and biophysical properties (such as structural, functional, and spatial information, amino acid conservation, physicochemical variation, residue mobility, and thermodynamic stability) indicates that this missense variant is not expected to disrupt DCTN1 protein function with a negative predictive value of 95%. Algorithms developed to predict the effect of sequence changes on RNA splicing suggest that this variant may disrupt the consensus splice site. In summary, the available evidence is currently insufficient to determine the role of this variant in disease. Therefore, it has been classified as a Variant of Uncertain Significance.